The following is an entry in ClinVar:

ClinVar aggregate classification (germline): Uncertain significance. Review status: criteria provided, multiple submitters, no conflicts (2 of 4 stars). 2 submissions from 2 submitters: Uncertain significance (2). Last evaluated 2023-07-31.

Conditions:
Inborn genetic diseases. Identifiers: MedGen C0950123, MeSH D030342.
Leukocyte adhesion deficiency 3. Also called: Leukocyte adhesion deficiency, type III; INTEGRIN ACTIVATION DEFICIENCY DISEASE; LEUKOCYTE ADHESION DEFICIENCY 1 VARIANT. Identifiers: Orphanet 2968, Orphanet 99844, MedGen C2748536, MONDO:0013016, OMIM 612840.

Allele frequency attached by ClinVar (database versions not stated): gnomAD 0.00001; ExAC 0.00002; gnomAD exomes 0.00002 and 0.00005; TOPMed 0.00002.
gnomAD v4.1: 84 of 1,614,036 alleles (0.0052%); highest among the groups gnomAD compares: Non-Finnish European, 0.0064%; no homozygotes.

Submissions (3):

Ambry Genetics
Classification: Uncertain significance for Inborn genetic diseases. Last evaluated: 2023-07-31. Review status: criteria provided, single submitter. Criteria: Ambry Variant Classification Scheme 2023. Collection method: clinical testing. Allele origin: germline.

Labcorp Genetics (formerly Invitae), Labcorp
Classification: Uncertain significance for Leukocyte adhesion deficiency 3. Last evaluated: 2021-09-01. Review status: criteria provided, single submitter. Criteria: Invitae Variant Classification Sherloc (09022015). Collection method: clinical testing. Allele origin: germline.
Comment: This sequence change replaces leucine with valine at codon 18 of the FERMT3 protein (p.Leu18Val). The leucine residue is highly conserved and there is a small physicochemical difference between leucine and valine. This variant is present in population databases (rs772115690, ExAC 0.005%). This variant has not been reported in the literature in individuals affected with FERMT3-related conditions. Algorithms developed to predict the effect of missense changes on protein structure and function are either unavailable or do not agree on the potential impact of this missense change (SIFT: "Deleterious"; PolyPhen-2: "Probably Damaging"; Align-GVGD: "Class C15"). Algorithms developed to predict the effect of sequence changes on RNA splicing suggest that this variant may create or strengthen a splice site. In summary, the available evidence is currently insufficient to determine the role of this variant in disease. Therefore, it has been classified as a Variant of Uncertain Significance.

Dr. Peter K. Rogan Lab, Western University
No classification provided (evidence only). Condition: Sarcoma. Review status: no classification provided. Collection method: in vitro. Allele origin: not applicable. Functional consequence: retained intron. Not counted in ClinVar's aggregate classification.

NM_031471.6(FERMT3):c.52C>G (p.Leu18Val)

Gene: FERMT3 (FERM domain containing kindlin 3; plus strand). Cytogenetic location: 11q13.1.
Variant type: single nucleotide variant.
Coding change: c.52C>G on transcript NM_031471.6 (MANE Select); coding-DNA position 52, C replaced by G.
Protein change: p.Leu18Val; replaces leucine 18 with valine.
Molecular consequence: missense variant.
Genome position (GRCh38, 1-based): chr11:64,207,416, C>G. VCF-style: chr11-64207416-C-G. GRCh37 (hg19) VCF-style: chr11-63974888-C-G.
Other names: c.52C>G (NM_031471.5); c.52C>G, p.Leu18Val (NM_001382361.1, NM_001382362.1, NM_001382448.1 and 1 more transcripts); short protein forms L18V.
Identifiers: ClinVar variation 1376469 (VCV001376469.7), dbSNP rs772115690, ClinGen allele CA6068616.
Genomic context (GRCh38, chr11:64,207,416, plus strand): 5'-GCCGCAGCCATGGCGGGGATGAAGACAGCCTCCGGGGACTACATCGACTCGTCATGGGAG[C>G]TGCGGGTGTTTGTGGGAGAGGAGGACCCAGAGGCCGAGTCGGTCACCCTGCGGGTCACTG-3'
Protein context (NP_113659.3, residues 8-28): SGDYIDSSWE[Leu18Val]RVFVGEEDPE